The following is an entry in ClinVar:

NM_000642.3(AGL):c.833A>G (p.Asp278Gly)

Gene: AGL (amylo-alpha-1,6-glucosidase and 4-alpha-glucanotransferase; plus strand). Cytogenetic location: 1p21.2.
Variant type: single nucleotide variant.
Coding change: c.833A>G on transcript NM_000642.3 (MANE Select); coding-DNA position 833, A replaced by G.
Protein change: p.Asp278Gly; replaces aspartic acid 278 with glycine.
Molecular consequence: missense variant.
Genome position (GRCh38, 1-based): chr1:99,870,568, A>G. VCF-style: chr1-99870568-A-G. GRCh37 (hg19) VCF-style: chr1-100336124-A-G.
Other names: c.833A>G, p.Asp278Gly (NM_000028.3, NM_000643.3, NM_000644.3 and 3 more transcripts); c.785A>G, p.Asp262Gly (NM_000646.3); c.629A>G, p.Asp210Gly (NM_001425328.1, NM_001425329.1); c.455A>G, p.Asp152Gly (NM_001425332.1); short protein forms D262G, D278G, D152G, D210G.
Identifiers: ClinVar variation 2164238 (VCV002164238.3), dbSNP rs1557754482, ClinGen allele CA341340397.

ClinVar aggregate classification (germline): Uncertain significance. Review status: criteria provided, multiple submitters, no conflicts (2 of 4 stars). 3 submissions from 3 submitters: Uncertain significance (3). Last evaluated 2023-04-11.

Conditions:
Glycogen storage disease type III (GSD3). Also called: Cori disease; FORBES DISEASE. Identifiers: Orphanet 366, MedGen C0017922, MONDO:0009291, OMIM 232400.
Inborn genetic diseases. Identifiers: MedGen C0950123, MeSH D030342.

Allele frequency attached by ClinVar (database versions not stated): TOPMed below 0.00001.
gnomAD v4.1: 5 of 1,614,064 alleles (0.00031%); highest among the groups gnomAD compares: Middle Eastern, 0.017%; no homozygotes.

Submissions (3):

Genome-Nilou Lab
Classification: Uncertain significance for Glycogen storage disease type III. Last evaluated: 2023-04-11. Review status: criteria provided, single submitter. Criteria: ACMG Guidelines, 2015. Collection method: clinical testing. Allele origin: germline. Affected: no.

Labcorp Genetics (formerly Invitae), Labcorp
Classification: Uncertain significance for Glycogen storage disease type III. Last evaluated: 2022-05-08. Review status: criteria provided, single submitter. Criteria: Invitae Variant Classification Sherloc (09022015). Collection method: clinical testing. Allele origin: germline.
Comment: This sequence change replaces aspartic acid, which is acidic and polar, with glycine, which is neutral and non-polar, at codon 278 of the AGL protein (p.Asp278Gly). This variant is not present in population databases (gnomAD no frequency). This variant has not been reported in the literature in individuals affected with AGL-related conditions. Algorithms developed to predict the effect of missense changes on protein structure and function (SIFT, PolyPhen-2, Align-GVGD) all suggest that this variant is likely to be tolerated. In summary, the available evidence is currently insufficient to determine the role of this variant in disease. Therefore, it has been classified as a Variant of Uncertain Significance.

Ambry Genetics
Classification: Uncertain significance for Inborn genetic diseases. Last evaluated: 2022-02-22. Review status: criteria provided, single submitter. Criteria: Ambry Variant Classification Scheme 2023. Collection method: clinical testing. Allele origin: germline.